The following is an entry in ClinVar:

ClinVar aggregate classification (germline): Uncertain significance (1 of 4 stars; one submission).

Conditions:
Familial cancer of breast. Also called: BREAST CANCER, FAMILIAL; Hereditary breast cancer; hereditary breast carcinoma. Identifiers: Orphanet 227535, MedGen C0346153, MONDO:0016419, OMIM 114480. Disease mechanism: loss of function.
Fanconi anemia complementation group J. Also called: BRIP1-Related Fanconi Anemia. Identifiers: Orphanet 84, MedGen C1836860, MONDO:0012187, OMIM 609054.

gnomAD v4.1: 1 of 1,613,722 alleles (0.000062%); highest among the groups gnomAD compares: Non-Finnish European, 0.000085%; no homozygotes.

Submission:

Labcorp Genetics (formerly Invitae), Labcorp
Classification: Uncertain significance for Familial cancer of breast; Fanconi anemia complementation group J. Last evaluated: 2025-09-03. Review status: criteria provided, single submitter. Criteria: Invitae Variant Classification Sherloc (09022015). Collection method: clinical testing. Allele origin: germline.
Comment: This sequence change replaces glutamic acid, which is acidic and polar, with aspartic acid, which is acidic and polar, at codon 74 of the BRIP1 protein (p.Glu74Asp). This variant is not present in population databases (gnomAD no frequency). This variant has not been reported in the literature in individuals affected with BRIP1-related conditions. ClinVar contains an entry for this variant (Variation ID: 1716494). Invitae Evidence Modeling of protein sequence and biophysical properties (such as structural, functional, and spatial information, amino acid conservation, physicochemical variation, residue mobility, and thermodynamic stability) indicates that this missense variant is not expected to disrupt BRIP1 protein function with a negative predictive value of 95%. In summary, the available evidence is currently insufficient to determine the role of this variant in disease. Therefore, it has been classified as a Variant of Uncertain Significance.

NM_032043.3(BRIP1):c.222G>C (p.Glu74Asp)

Gene: BRIP1 (BRCA1 interacting DNA helicase 1; minus strand). Cytogenetic location: 17q23.2.
Variant type: single nucleotide variant.
Coding change: c.222G>C on transcript NM_032043.3 (MANE Select); coding-DNA position 222, G replaced by C.
Protein change: p.Glu74Asp; replaces glutamic acid 74 with aspartic acid.
Molecular consequence: missense variant.
Genome position (GRCh38, 1-based): chr17:61,857,215, C>G on the plus strand (G>C on the coding strand, the complement: BRIP1 is on the minus strand). VCF-style: chr17-61857215-C-G. GRCh37 (hg19) VCF-style: chr17-59934576-C-G.
Other names: short protein forms E74D.
Identifiers: ClinVar variation 1716494 (VCV001716494.5), dbSNP rs1603366432, ClinGen allele CA400485597.
Genomic context (GRCh38, chr17:61,857,215, plus strand): 5'-ATCCTTTGAATGGCATGCACAACAACATGACAATTGTACTTCAGCTTTTTCACTTACGCC[C>G]TCATCTGCTGGTTTCCCTAAAAATGAAAGAACATCTATTTATAATATATCTAATTAAATA-3'
Protein context (NP_114432.2, residues 64-84): QQSLSGKPAD[Glu74Asp]GVSEKAEVQL